The following is an entry in ClinVar:

ClinVar aggregate classification (germline): Pathogenic (1 of 4 stars; one submission).

Conditions:
Wiedemann-Steiner syndrome (WDSTS). Also called: Growth deficiency and mental retardation with facial dysmorphism. Identifiers: Orphanet 319182, MedGen C1854630, MONDO:0011518, OMIM 605130.

Submission:

3billion
Classification: Pathogenic for Wiedemann-Steiner syndrome. Last evaluated: 2021-10-02. Review status: criteria provided, single submitter. Criteria: ACMG Guidelines, 2015. Collection method: clinical testing. Allele origin: unknown. Affected: yes. Observed: 1 heterozygote.
Comment: Stop-gained (nonsense): predicted to result in a loss or disruption of normal protein function through nonsense-mediated decay (NMD) or protein truncation. Multiple pathogenic variants are reported downstream of the variant (PVS1_VS). The variant was observed as assumed (i.e. paternity and maternity not confirmed) de novoo (3billion dataset, PM6). It is not observed in the gnomAD v2.1.1 dataset (PM2). Therefore, this variant is classified as pathogenic according to the recommendation of ACMG/AMP guideline.

NM_001197104.2(KMT2A):c.731T>G (p.Leu244Ter)

Gene: KMT2A (lysine methyltransferase 2A; plus strand). Cytogenetic location: 11q23.3.
Variant type: single nucleotide variant.
Coding change: c.731T>G on transcript NM_001197104.2 (MANE Select); coding-DNA position 731, T replaced by G.
Protein change: p.Leu244Ter; replaces leucine 244 with a stop codon.
Molecular consequence: nonsense.
Genome position (GRCh38, 1-based): chr11:118,471,890, T>G. VCF-style: chr11-118471890-T-G. GRCh37 (hg19) VCF-style: chr11-118342605-T-G.
Other names: c.731T>G, p.Leu244Ter (NM_005933.4); short protein forms L244*.
Identifiers: ClinVar variation 1320181 (VCV001320181.1), dbSNP rs2134258206, ClinGen allele CA382807630.